The following is an entry in ClinVar:

NM_144997.7(FLCN):c.392G>A (p.Cys131Tyr)

Gene: FLCN (folliculin; minus strand). Cytogenetic location: 17p11.2.
Variant type: single nucleotide variant.
Coding change: c.392G>A on transcript NM_144997.7 (MANE Select); coding-DNA position 392, G replaced by A.
Protein change: p.Cys131Tyr; replaces cysteine 131 with tyrosine.
Molecular consequence: missense variant.
Genome position (GRCh38, 1-based): chr17:17,226,180, C>T on the plus strand (G>A on the coding strand, the complement: FLCN is on the minus strand). VCF-style: chr17-17226180-C-T. GRCh37 (hg19) VCF-style: chr17-17129494-C-T.
Other names: c.392G>A, p.Cys131Tyr (NM_001353229.2, NM_001353230.2, NM_001353231.2 and 1 more transcripts); short protein forms C131Y.
Identifiers: ClinVar variation 4025316 (VCV004025316.1).

ClinVar aggregate classification (germline): Uncertain significance (1 of 4 stars; one submission).

Conditions:
Hereditary cancer-predisposing syndrome. Also called: Tumor predisposition; Hereditary neoplastic syndrome; Neoplastic Syndromes, Hereditary; Hereditary Cancer Syndrome. Identifiers: Orphanet 140162, MedGen C0027672, MeSH D009386, MONDO:0015356.

Submission:

Ambry Genetics
Classification: Uncertain significance for Hereditary cancer-predisposing syndrome. Last evaluated: 2025-05-03. Review status: criteria provided, single submitter. Criteria: Ambry Variant Classification Scheme 2023. Collection method: clinical testing. Allele origin: germline.
Comment: The p.C131Y variant (also known as c.392G>A), located in coding exon 2 of the FLCN gene, results from a G to A substitution at nucleotide position 392. The cysteine at codon 131 is replaced by tyrosine, an amino acid with highly dissimilar properties. This amino acid position is conserved. In addition, this alteration is predicted to be deleterious by in silico analysis. Based on the available evidence, the clinical significance of this variant remains unclear.